The following is an entry in ClinVar:

ClinVar aggregate classification (germline): Likely benign. Review status: criteria provided, multiple submitters, no conflicts (2 of 4 stars). 3 submissions from 3 submitters: Likely benign (2). 1 of the submissions does not count toward it. Last evaluated 2025-09-10.

Conditions:
SCLT1-related disorder. Also called: SCLT1-related condition.

Allele frequency attached by ClinVar (database versions not stated): gnomAD exomes 0.00004; gnomAD 0.00034 and 0.00037; ESP Exome Variant Server 0.00038; 1000 Genomes Project 30x 0.00109; 1000 Genomes Project 0.00140.
gnomAD v4.1: 123 of 1,594,276 alleles (0.0077%); highest among the groups gnomAD compares: African/African-American, 0.14%; 1 homozygote.

Submissions (3):

Labcorp Genetics (formerly Invitae), Labcorp
Classification: Likely benign. Last evaluated: 2025-09-10. Review status: criteria provided, single submitter. Criteria: Invitae Variant Classification Sherloc (09022015). Collection method: clinical testing. Allele origin: germline.

Blueprint Genetics
Classification: Likely benign. Last evaluated: 2024-06-17. Review status: criteria provided, single submitter. Criteria: ACMG Guidelines, 2015. Collection method: clinical testing. Allele origin: germline.

PreventionGenetics, part of Exact Sciences
Classification: Likely benign for SCLT1-related condition. Last evaluated: 2024-07-17. Review status: no assertion criteria provided. Collection method: clinical testing. Allele origin: germline. Not counted in ClinVar's aggregate classification.
Comment: This variant is classified as likely benign based on ACMG/AMP sequence variant interpretation guidelines (Richards et al. 2015 PMID: 25741868, with internal and published modifications).

NM_144643.4(SCLT1):c.69A>G (p.Gln23=)

Gene: SCLT1 (sodium channel and clathrin linker 1; minus strand). Cytogenetic location: 4q28.2.
Variant type: single nucleotide variant.
Coding change: c.69A>G on transcript NM_144643.4 (MANE Select); coding-DNA position 69, A replaced by G.
Protein change: p.Gln23=; no amino-acid change (glutamine 23 retained).
Molecular consequence: synonymous variant.
Genome position (GRCh38, 1-based): chr4:129,082,339, T>C on the plus strand (A>G on the coding strand, the complement: SCLT1 is on the minus strand). VCF-style: chr4-129082339-T-C. GRCh37 (hg19) VCF-style: chr4-130003494-T-C.
Other names: c.69A>G, p.Gln23= (NM_001300897.2, NM_001300898.2); c.69A>G (NM_144643.3).
Identifiers: ClinVar variation 1077930 (VCV001077930.11), dbSNP rs149592900, ClinGen allele CA3080093.